The following is an entry in ClinVar:

ClinVar aggregate classification (germline): Uncertain significance (1 of 4 stars; one submission).

gnomAD v4.1: 2 of 1,570,338 alleles (0.00013%); highest among the groups gnomAD compares: Non-Finnish European, 0.00017%; no homozygotes.

Submission:

GeneDx
Classification: Uncertain significance. Last evaluated: 2024-09-29. Review status: criteria provided, single submitter. Criteria: GeneDx Variant Classification Process June 2021. Collection method: clinical testing. Allele origin: germline. Affected: yes.
Comment: Not observed at significant frequency in large population cohorts (gnomAD); In silico analysis supports a deleterious effect on splicing; Has not been previously published as pathogenic or benign to our knowledge

NM_002609.4(PDGFRB):c.2905-5A>G

Gene: PDGFRB (platelet derived growth factor receptor beta; minus strand). Cytogenetic location: 5q32.
Variant type: single nucleotide variant.
Coding change: c.2905-5A>G on transcript NM_002609.4 (MANE Select); 5 bases into the intron before coding-DNA position 2905, A replaced by G.
Molecular consequence: intron variant.
Genome position (GRCh38, 1-based): chr5:150,117,855, T>C on the plus strand (A>G on the coding strand, the complement: PDGFRB is on the minus strand). VCF-style: chr5-150117855-T-C. GRCh37 (hg19) VCF-style: chr5-149497418-T-C.
Other names: c.2713-5A>G (NM_001355016.2); c.2422-5A>G (NM_001355017.2).
Identifiers: ClinVar variation 3774839 (VCV003774839.1).